The following is an entry in ClinVar:

ClinVar aggregate classification (germline): Uncertain significance (1 of 4 stars; one submission).

gnomAD v4.1: 1 of 1,614,018 alleles (0.000062%); highest among the groups gnomAD compares: Non-Finnish European, 0.000085%; no homozygotes.

Submission:

Labcorp Genetics (formerly Invitae), Labcorp
Classification: Uncertain significance. Last evaluated: 2025-11-03. Review status: criteria provided, single submitter. Criteria: Invitae Variant Classification Sherloc (09022015). Collection method: clinical testing. Allele origin: germline.
Comment: This sequence change replaces valine, which is neutral and non-polar, with methionine, which is neutral and non-polar, at codon 146 of the HMOX1 protein (p.Val146Met). This variant is not present in population databases (gnomAD no frequency). This variant has not been reported in the literature in individuals affected with HMOX1-related conditions. An algorithm developed to predict the effect of missense changes on protein structure and function outputs the following: PolyPhen-2: "Possibly Damaging". The methionine amino acid residue is found in multiple mammalian species, which suggests that this missense change does not adversely affect protein function. In summary, the available evidence is currently insufficient to determine the role of this variant in disease. Therefore, it has been classified as a Variant of Uncertain Significance.

NM_002133.3(HMOX1):c.436G>A (p.Val146Met)

Gene: HMOX1 (heme oxygenase 1; plus strand). Cytogenetic location: 22q12.3.
Variant type: single nucleotide variant.
Coding change: c.436G>A on transcript NM_002133.3 (MANE Select); coding-DNA position 436, G replaced by A.
Protein change: p.Val146Met; replaces valine 146 with methionine.
Molecular consequence: missense variant.
Genome position (GRCh38, 1-based): chr22:35,386,976, G>A. VCF-style: chr22-35386976-G-A. GRCh37 (hg19) VCF-style: chr22-35782969-G-A.
Other names: short protein forms V146M.
Identifiers: ClinVar variation 4753584 (VCV004753584.1).
Genomic context (GRCh38, chr22:35,386,976, plus strand): 5'-CCCGAGCTGCTGGTGGCCCACGCCTACACCCGCTACCTGGGTGACCTGTCTGGGGGCCAG[G>A]TGCTCAAAAAGATTGCCCAGAAAGCCCTGGACCTGCCCAGCTCTGGCGAGGGCCTGGCCT-3'
Protein context (NP_002124.1, residues 136-156): RYLGDLSGGQ[Val146Met]LKKIAQKALD